The following is an entry in ClinVar:

ClinVar aggregate classification (germline): Likely benign (1 of 4 stars; one submission).

Submission:

CeGaT Center for Human Genetics Tuebingen
Classification: Likely benign. Last evaluated: 2026-05-01. Review status: criteria provided, single submitter. Criteria: CeGaT Center For Human Genetics Tuebingen Variant Classification Criteria Version 2. Collection method: clinical testing. Allele origin: germline. Affected: yes. Observed: 2 variant alleles.
Comment: BRWD3: PM2:Supporting, BP4, BP7

NM_153252.5(BRWD3):c.2817C>G (p.Val939=)

Gene: BRWD3 (bromodomain and WD repeat domain containing 3; minus strand). Cytogenetic location: Xq21.1.
Variant type: single nucleotide variant.
Coding change: c.2817C>G on transcript NM_153252.5 (MANE Select); coding-DNA position 2817, C replaced by G.
Protein change: p.Val939=; no amino-acid change (valine 939 retained).
Molecular consequence: synonymous variant.
Genome position (GRCh38, 1-based): chrX:80,703,498, G>C on the plus strand (C>G on the coding strand, the complement: BRWD3 is on the minus strand). VCF-style: chrX-80703498-G-C. GRCh37 (hg19) VCF-style: chrX-79958997-G-C.
Other names: c.2667C>G, p.Val889= (NM_001441339.1).
Identifiers: ClinVar variation 4873019 (VCV004873019.2).